The following is an entry in ClinVar:

NM_002336.3(LRP6):c.246A>T (p.Lys82Asn)

Gene: LRP6 (LDL receptor related protein 6; minus strand). Cytogenetic location: 12p13.2.
Variant type: single nucleotide variant.
Coding change: c.246A>T on transcript NM_002336.3 (MANE Select); coding-DNA position 246, A replaced by T.
Protein change: p.Lys82Asn; replaces lysine 82 with asparagine.
Molecular consequence: missense variant.
Genome position (GRCh38, 1-based): chr12:12,244,465, T>A on the plus strand (A>T on the coding strand, the complement: LRP6 is on the minus strand). VCF-style: chr12-12244465-T-A. GRCh37 (hg19) VCF-style: chr12-12397399-T-A.
Other names: p.Lys82Asn; c.246A>T (NM_002336.2); short protein forms K82N.
Identifiers: ClinVar variation 1139329 (VCV001139329.15), dbSNP rs199693693, ClinGen allele CA6455915.

ClinVar aggregate classification (germline): Conflicting classifications of pathogenicity. Review status: criteria provided, conflicting classifications (1 of 4 stars). 5 submissions from 5 submitters: Uncertain significance (3); Likely benign (1). 1 of the submissions does not count toward it. Last evaluated 2025-11-22.

Conditions:
LRP6-related disorder. Also called: LRP6-related condition.
Coronary artery disease, autosomal dominant 2 (ADCAD2). Identifiers: MedGen C1970440, MONDO:0012586, OMIM 610947.
Tooth agenesis, selective, 7 (STHAG7). Identifiers: Orphanet 99798, MedGen C4225231, MONDO:0014749, OMIM 616724.

Allele frequency attached by ClinVar (database versions not stated): gnomAD 0.00014 and 0.00015; TOPMed 0.00019; 1000 Genomes Project 0.00100; 1000 Genomes Project 30x 0.00109.
gnomAD v4.1: 136 of 1,614,170 alleles (0.0084%); highest among the groups gnomAD compares: East Asian, 0.23%; 3 homozygotes.

Submissions (5):

Labcorp Genetics (formerly Invitae), Labcorp
Classification: Likely benign. Last evaluated: 2025-11-22. Review status: criteria provided, single submitter. Criteria: Invitae Variant Classification Sherloc (09022015). Collection method: clinical testing. Allele origin: germline.

Mayo Clinic Laboratories, Mayo Clinic
Classification: Uncertain significance. Last evaluated: 2023-07-13. Review status: criteria provided, single submitter. Criteria: ACMG Guidelines, 2015. Collection method: clinical testing. Allele origin: germline. Observed: 1 variant allele.
Comment: BS1, PS4_moderate

Mendelics
Classification: Uncertain significance. Last evaluated: 2022-05-04. Review status: criteria provided, single submitter. Criteria: Mendelics Assertion Criteria 2019. Collection method: clinical testing. Allele origin: germline.

Juno Genomics, Hangzhou Juno Genomics, Inc
Classification: Uncertain significance for Coronary artery disease, autosomal dominant 2; Tooth agenesis, selective, 7. Review status: criteria provided, single submitter. Criteria: ACMG Guidelines, 2015. Collection method: clinical testing. Allele origin: germline.
Comment: Well-established in vitro or in vivo functional studies supportive of a damaging effect on the gene or gene product.;Missense variant in a gene that has a low rate of benign missense variation.;The prevalence of the variant in affected individuals is significantly increased compared to the prevalence in controls.

PreventionGenetics, part of Exact Sciences
Classification: Likely benign for LRP6-related condition. Last evaluated: 2019-06-17. Review status: no assertion criteria provided. Collection method: clinical testing. Allele origin: germline. Not counted in ClinVar's aggregate classification.
Comment: This variant is classified as likely benign based on ACMG/AMP sequence variant interpretation guidelines (Richards et al. 2015 PMID: 25741868, with internal and published modifications).

Literature cited by the submitters: PubMed 24427284 (cited by Mayo Clinic Laboratories, Mayo Clinic); PubMed 32147773 (cited by Mayo Clinic Laboratories, Mayo Clinic); PubMed 35928749 (cited by Mayo Clinic Laboratories, Mayo Clinic); PubMed 35961235 (cited by Mayo Clinic Laboratories, Mayo Clinic); PubMed 36143186 (cited by Mayo Clinic Laboratories, Mayo Clinic).